The following is an entry in ClinVar:

ClinVar aggregate classification (germline): Uncertain significance (1 of 4 stars; one submission).

Conditions:
Glycogen storage disease IXd (GSD9D). Also called: GSD IXd; Muscle Phosphorylase Kinase Deficiency. Identifiers: Orphanet 715, MedGen C1845151, MONDO:0010362, OMIM 300559.

Allele frequency attached by ClinVar (database versions not stated): gnomAD 0.00001; gnomAD exomes 0.00001; TOPMed 0.00001.
gnomAD v4.1: 12 of 1,195,161 alleles (0.001%); highest among the groups gnomAD compares: Non-Finnish European, 0.0014%; no homozygotes.

Submission:

Labcorp Genetics (formerly Invitae), Labcorp
Classification: Uncertain significance for Glycogen storage disease IXd. Last evaluated: 2024-07-25. Review status: criteria provided, single submitter. Criteria: Invitae Variant Classification Sherloc (09022015). Collection method: clinical testing. Allele origin: germline.
Comment: This sequence change replaces glutamic acid, which is acidic and polar, with aspartic acid, which is acidic and polar, at codon 760 of the PHKA1 protein (p.Glu760Asp). This variant is not present in population databases (gnomAD no frequency). This variant has not been reported in the literature in individuals affected with PHKA1-related conditions. An algorithm developed to predict the effect of missense changes on protein structure and function (PolyPhen-2) suggests that this variant is likely to be tolerated. In summary, the available evidence is currently insufficient to determine the role of this variant in disease. Therefore, it has been classified as a Variant of Uncertain Significance.

NM_002637.4(PHKA1):c.2280G>C (p.Glu760Asp)

Gene: PHKA1 (phosphorylase kinase regulatory subunit alpha 1; minus strand). Cytogenetic location: Xq13.1.
Variant type: single nucleotide variant.
Coding change: c.2280G>C on transcript NM_002637.4 (MANE Select); coding-DNA position 2280, G replaced by C.
Protein change: p.Glu760Asp; replaces glutamic acid 760 with aspartic acid.
Molecular consequence: missense variant.
Genome position (GRCh38, 1-based): chrX:72,618,799, C>G on the plus strand (G>C on the coding strand, the complement: PHKA1 is on the minus strand). VCF-style: chrX-72618799-C-G. GRCh37 (hg19) VCF-style: chrX-71838649-C-G.
Other names: c.2280G>C, p.Glu760Asp (NM_001122670.2); c.2103G>C, p.Glu701Asp (NM_001172436.2); short protein forms E701D, E760D.
Identifiers: ClinVar variation 3011092 (VCV003011092.3), dbSNP rs1326511884, ClinGen allele CA413590546.